The following is an entry in ClinVar:

ClinVar aggregate classification (germline): Uncertain significance (1 of 4 stars; one submission).

Submission:

GeneDx
Classification: Uncertain significance. Last evaluated: 2025-08-02. Review status: criteria provided, single submitter. Criteria: GeneDx Variant Classification Process June 2021. Collection method: clinical testing. Allele origin: germline. Affected: yes.
Comment: Not observed at significant frequency in large population cohorts (gnomAD); In silico analysis supports a deleterious effect on protein structure/function; Has not been previously published as pathogenic or benign to our knowledge

NM_001127222.2(CACNA1A):c.3544_3546delinsAAA (p.Val1182Lys)

Gene: CACNA1A (calcium voltage-gated channel subunit alpha1 A; minus strand). Cytogenetic location: 19p13.13.
Variant type: Indel.
Coding change: c.3544_3546delinsAAA on transcript NM_001127222.2 (MANE Select); coding-DNA positions 3544 to 3546, GTC replaced by AAA.
Protein change: p.Val1182Lys; replaces valine 1182 with lysine.
Molecular consequence: missense variant.
Genome position (GRCh38, 1-based): chr19:13,286,510-13,286,512, GAC replaced by TTT on the plus strand (GTC replaced by AAA on the coding strand, the reverse complement: CACNA1A is on the minus strand). VCF-style: chr19-13286510-GAC-TTT. GRCh37 (hg19) VCF-style: chr19-13397324-GAC-TTT.
Other names: c.3556_3558delinsAAA, p.Val1186Lys (NM_000068.4, NM_023035.3); c.3547_3549delGTCinsAAA, p.Val1183Lys (NM_001127221.1); c.3547_3549delinsAAA, p.Val1183Lys (NM_001127221.2, NM_001174080.2); short protein forms V1182K, V1183K, V1186K.
Identifiers: ClinVar variation 4690208 (VCV004690208.1).